The following is an entry in ClinVar:

ClinVar aggregate classification (germline): Conflicting classifications of pathogenicity. Review status: criteria provided, conflicting classifications (1 of 4 stars). 8 submissions from 4 submitters: Uncertain significance (5); Likely benign (3). Last evaluated 2025-07-09.

Conditions:
Cardiovascular phenotype. Identifiers: MedGen CN230736.
Autosomal recessive limb-girdle muscular dystrophy type 2J (LGMDR10). Also called: Limb-girdle muscular dystrophy, type 2J; MUSCULAR DYSTROPHY, LIMB-GIRDLE, AUTOSOMAL RECESSIVE 10. Identifiers: Orphanet 140922, MedGen C1837342, MONDO:0012127, OMIM 608807.
Dilated cardiomyopathy 1G (CMD1G). Identifiers: Orphanet 154, MedGen C1858763, MONDO:0011400, OMIM 604145.
Early-onset myopathy with fatal cardiomyopathy (CMYO5). Also called: Salih Myopathy; CONGENITAL MYOPATHY 5 WITH CARDIOMYOPATHY. Identifiers: Orphanet 289377, MedGen C2673677, MONDO:0012714, OMIM 611705. Disease mechanism: loss of function.
Myopathy, myofibrillar, 9, with early respiratory failure (MFM9). Also called: Hereditary myopathy with early respiratory failure; EDSTROM MYOPATHY; MYOPATHY, PROXIMAL, WITH EARLY RESPIRATORY MUSCLE INVOLVEMENT; Myopathy, distal, with early respiratory failure, autosomal dominant. Identifiers: Orphanet 178464, Orphanet 34521, MedGen C1863599, MONDO:0011362, OMIM 603689.
Tibial muscular dystrophy (TMD). Also called: Udd Distal Myopathy – Tibial Muscular Dystrophy; Tibial muscular dystrophy, tardive; UDD MYOPATHY. Identifiers: Orphanet 609, MedGen C1838244, MONDO:0010870, OMIM 600334.

Allele frequency attached by ClinVar (database versions not stated): TOPMed below 0.00001; gnomAD 0.00001; gnomAD exomes 0.00001.
gnomAD v4.1: 14 of 1,613,894 alleles (0.00087%); highest among the groups gnomAD compares: Non-Finnish European, 0.0012%; no homozygotes.

Submissions (8):

Ambry Genetics
Classification: Likely benign for Cardiovascular phenotype. Last evaluated: 2025-07-09. Review status: criteria provided, single submitter. Criteria: Ambry Variant Classification Scheme 2023. Collection method: clinical testing. Allele origin: germline.

Labcorp Genetics (formerly Invitae), Labcorp
Classification: Likely benign for Dilated cardiomyopathy 1G; Autosomal recessive limb-girdle muscular dystrophy type 2J. Last evaluated: 2025-04-21. Review status: criteria provided, single submitter. Criteria: Invitae Variant Classification Sherloc (09022015). Collection method: clinical testing. Allele origin: germline.

GeneDx
Classification: Likely benign. Last evaluated: 2018-03-16. Review status: criteria provided, single submitter. Criteria: GeneDx Variant Classification (06012015). Collection method: clinical testing. Allele origin: germline. Affected: yes.
Comment: This variant is considered likely benign or benign based on one or more of the following criteria: it is a conservative change, it occurs at a poorly conserved position in the protein, it is predicted to be benign by multiple in silico algorithms, and/or has population frequency not consistent with disease.

Illumina Laboratory Services, Illumina
Classification: Uncertain significance for Tibial muscular dystrophy. Last evaluated: 2018-01-12. Review status: criteria provided, single submitter. Criteria: ICSL Variant Classification Criteria 13 December 2019. Collection method: clinical testing. Allele origin: germline.

Illumina Laboratory Services, Illumina
Classification: Uncertain significance for Myopathy, myofibrillar, 9, with early respiratory failure. Last evaluated: 2018-01-12. Review status: criteria provided, single submitter. Criteria: ICSL Variant Classification Criteria 13 December 2019. Collection method: clinical testing. Allele origin: germline.

Illumina Laboratory Services, Illumina
Classification: Uncertain significance for Autosomal recessive limb-girdle muscular dystrophy type 2J. Last evaluated: 2018-01-12. Review status: criteria provided, single submitter. Criteria: ICSL Variant Classification Criteria 13 December 2019. Collection method: clinical testing. Allele origin: germline.

Illumina Laboratory Services, Illumina
Classification: Uncertain significance for Dilated cardiomyopathy 1G. Last evaluated: 2018-01-12. Review status: criteria provided, single submitter. Criteria: ICSL Variant Classification Criteria 13 December 2019. Collection method: clinical testing. Allele origin: germline.

Illumina Laboratory Services, Illumina
Classification: Uncertain significance for Early-onset myopathy with fatal cardiomyopathy. Last evaluated: 2018-01-12. Review status: criteria provided, single submitter. Criteria: ICSL Variant Classification Criteria 13 December 2019. Collection method: clinical testing. Allele origin: germline.

NM_001267550.2(TTN):c.104328A>C (p.Pro34776=)

Genes: TTN (titin; minus strand), TTN-AS1 (TTN antisense RNA 1; plus strand). Cytogenetic location: 2q31.2.
Variant type: single nucleotide variant.
Coding change: c.104328A>C on transcript NM_001267550.2 (MANE Select); coding-DNA position 104328, A replaced by C.
Protein change: p.Pro34776=; no amino-acid change (proline 34776 retained).
Molecular consequence: synonymous variant.
Genome position (GRCh38, 1-based): chr2:178,532,287, T>G on the plus strand (A>C on the coding strand, the complement: TTN is on the minus strand). VCF-style: chr2-178532287-T-G. GRCh37 (hg19) VCF-style: chr2-179397014-T-G.
Other names: c.99405A>C, p.Pro33135= (NM_001256850.1); c.77133A>C, p.Pro25711= (NM_003319.4); c.96624A>C, p.Pro32208= (NM_133378.4); c.77508A>C, p.Pro25836= (NM_133432.3); c.77709A>C, p.Pro25903= (NM_133437.4).
Identifiers: ClinVar variation 680883 (VCV000680883.10), dbSNP rs1575245592, ClinGen allele CA430235973.